The following is an entry in ClinVar:

ClinVar aggregate classification (germline): Uncertain significance (1 of 4 stars; one submission).

Conditions:
Frontotemporal dementia and/or amyotrophic lateral sclerosis 7 (FTDALS7). Also called: Amyotrophic lateral sclerosis 17; CHMP2B-Related Frontotemporal Dementia-Amyotrophic Lateral Sclerosis; AMYOTROPHIC LATERAL SCLEROSIS, CHMP2B-RELATED; CHMP2B-related frontotemporal dementia. Identifiers: Orphanet 275864, Orphanet 282, Orphanet 803, MedGen C1833296, MONDO:0010936, OMIM 600795.

Allele frequency attached by ClinVar (database versions not stated): ExAC 0.00001; gnomAD 0.00001; gnomAD exomes 0.00001; TOPMed 0.00001.
gnomAD v4.1: 18 of 1,613,244 alleles (0.0011%); highest among the groups gnomAD compares: East Asian, 0.0022%; no homozygotes.

Submission:

GeneDx
Classification: Uncertain significance. Last evaluated: 2019-06-03. Review status: criteria provided, single submitter. Criteria: GeneDx Variant Classification Process June 2021. Collection method: clinical testing. Allele origin: germline. Affected: yes.
Comment: Not observed at a significant frequency in large population cohorts (Lek et al., 2016); Nonsense variant predicted to result in protein truncation or nonsense mediated decay in a gene for which loss-of-function is not a known mechanism of disease; Has not been previously published as pathogenic or benign to our knowledge

NM_014043.4(CHMP2B):c.94C>T (p.Arg32Ter)

Gene: CHMP2B (charged multivesicular body protein 2B; plus strand). Cytogenetic location: 3p11.2.
Variant type: single nucleotide variant.
Coding change: c.94C>T on transcript NM_014043.4 (MANE Select); coding-DNA position 94, C replaced by T.
Protein change: p.Arg32Ter; replaces arginine 32 with a stop codon.
Molecular consequence: nonsense. On other transcripts: intron variant (1).
Genome position (GRCh38, 1-based): chr3:87,240,758, C>T. VCF-style: chr3-87240758-C-T. GRCh37 (hg19) VCF-style: chr3-87289908-C-T.
Other names: c.4-4956C>T (NM_001244644.2); short protein forms R32*.
Identifiers: ClinVar variation 1210544 (VCV001210544.5), dbSNP rs763615051, ClinGen allele CA2500890.